The following is an entry in ClinVar:

NC_000006.11:g.(?_135748388)_(135757374_?)del

Gene: AHI1 (Abelson helper integration site 1; minus strand). Cytogenetic location: 6q23.3.
Variant type: Deletion.
Identifiers: ClinVar variation 3245980 (VCV003245980.1).

ClinVar aggregate classification (germline): Pathogenic (1 of 4 stars; one submission).

Conditions:
Joubert syndrome. Also called: CEREBELLOPARENCHYMAL DISORDER IV; JOUBERT-BOLTSHAUSER SYNDROME; Familial aplasia of the vermis. Identifiers: Orphanet 475, MedGen C5979921, MONDO:0018772.

Submission:

Labcorp Genetics (formerly Invitae), Labcorp
Classification: Pathogenic for Joubert syndrome. Last evaluated: 2023-05-24. Review status: criteria provided, single submitter. Criteria: Invitae Variant Classification Sherloc (09022015). Collection method: clinical testing. Allele origin: unknown.
Comment: For these reasons, this variant has been classified as Pathogenic. This variant disrupts a region of the AHI1 protein in which other variant(s) (p.Thr702Met) have been determined to be pathogenic (PMID: 28431631, 34627237; Invitae). This suggests that this is a clinically significant region of the protein, and that variants that disrupt it are likely to be disease-causing. This variant has not been reported in the literature in individuals affected with AHI1-related conditions. This variant results in the deletion of exon 15-18 and part of exon 19 (c.2036+2139_2681del) of the AHI1 gene. It is expected to disrupt RNA splicing. Variants that disrupt the donor or acceptor splice site typically lead to a loss of protein function (PMID: 16199547), and loss-of-function variants in AHI1 are known to be pathogenic (PMID: 15322546, 16453322, 28442542, 29186038).

Literature cited by the submitters: PubMed 28431631; PubMed 34627237; PubMed 16199547; PubMed 15322546; PubMed 16453322; PubMed 28442542; PubMed 29186038.